The following is an entry in ClinVar:

NM_004360.5(CDH1):c.1004G>A (p.Arg335Gln)

Gene: CDH1 (cadherin 1; plus strand). Cytogenetic location: 16q22.1.
Variant type: single nucleotide variant.
Coding change: c.1004G>A on transcript NM_004360.5 (MANE Select); coding-DNA position 1004, G replaced by A.
Protein change: p.Arg335Gln; replaces arginine 335 with glutamine.
Molecular consequence: missense variant. On other transcripts: 5 prime UTR variant (2).
Genome position (GRCh38, 1-based): chr16:68,811,855, G>A. VCF-style: chr16-68811855-G-A. GRCh37 (hg19) VCF-style: chr16-68845758-G-A.
Other names: p.R335Q:CGA>CAA; NM_004360.5(CDH1):c.1004G>A; c.1004G>A, p.Arg335Gln (NM_001317184.2); c.-612G>A (NM_001317185.2); c.-816G>A (NM_001317186.2); short protein forms R335Q.
Identifiers: ClinVar variation 127905 (VCV000127905.38), dbSNP rs373364873, ClinGen allele CA288013.

ClinVar aggregate classification (germline): Likely benign. Review status: reviewed by expert panel (3 of 4 stars). 15 submissions from 15 submitters: Likely benign (1). 14 of the submissions do not count toward it. Last evaluated 2023-09-25.

Conditions:
CDH1-related disorder. Also called: CDH1-related condition.
Endometrial carcinoma. Also called: Endometrial carcinoma, somatic. Identifiers: MedGen C0476089, MONDO:0002447, OMIM 608089, HP:0012114.
Hereditary diffuse gastric adenocarcinoma (HDGC). Also called: DIFFUSE GASTRIC AND LOBULAR BREAST CANCER SYNDROME. Identifiers: Orphanet 26106, MedGen C1708349, MONDO:0007648, OMIM 137215.
Familial cancer of breast. Also called: hereditary breast carcinoma; Hereditary breast cancer; BREAST CANCER, FAMILIAL. Identifiers: Orphanet 227535, MedGen C0346153, MONDO:0016419, OMIM 114480. Disease mechanism: loss of function.
Blepharocheilodontic syndrome 1 (BCDS1). Identifiers: Orphanet 1997, MedGen C4551988, MONDO:0054740, OMIM 119580.
Ovarian cancer. Also called: OVARIAN CANCER, SOMATIC. Identifiers: Orphanet 213500, MedGen C1140680, MONDO:0008170, OMIM 167000.
CDH1-related diffuse gastric and lobular breast cancer syndrome. Also called: CDH1-related diffuse gastric and lobular breast cancer. Identifiers: MedGen CN311521, MONDO:0100488.
Hereditary cancer-predisposing syndrome. Also called: Neoplastic Syndromes, Hereditary; Tumor predisposition; Hereditary Cancer Syndrome; Hereditary neoplastic syndrome. Identifiers: Orphanet 140162, MedGen C0027672, MeSH D009386, MONDO:0015356.

Allele frequency attached by ClinVar (database versions not stated): TOPMed 0.00001; gnomAD 0.00002 and 0.00003; gnomAD exomes 0.00002; ExAC 0.00004; ESP Exome Variant Server 0.00008; 1000 Genomes Project 0.00020; 1000 Genomes Project 30x 0.00031.
gnomAD v4.1: 35 of 1,614,082 alleles (0.0022%); highest among the groups gnomAD compares: Admixed American, 0.0067%; 1 homozygote.

Submissions (15):

Clingen Gastric Cancer Variant Curation Expert Panel
Classification: Likely benign for CDH1-related diffuse gastric and lobular breast cancer syndrome. Last evaluated: 2023-09-25. Review status: reviewed by expert panel. Criteria: ClinGen CDH1 ACMG Specifications V3.1. Collection method: curation. Allele origin: germline. Inheritance: Autosomal dominant inheritance.
Comment: The c.1004G>A (p.Arg335Gln) missense variant has a maximum subpopulation frequency of 0.0085% in the gnomAD v2.1.1 cohort. This variant has been observed in over 140 probands not meeting HDGC phenotype criteria (BS2; SCV000149741.15, SCV000185512.7, SCV003926714.1, SCV000288411.10). In summary, this variant meets criteria to be classified as Likely Benign based on the ACMG/AMP criteria applied as specified by the CDH1 Variant Curation Expert Panel: BS2.

Labcorp Genetics (formerly Invitae), Labcorp
Classification: Likely benign for Hereditary diffuse gastric adenocarcinoma. Last evaluated: 2025-12-22. Review status: criteria provided, single submitter. Criteria: Invitae Variant Classification Sherloc (09022015). Collection method: clinical testing. Allele origin: germline. Not counted in ClinVar's aggregate classification.

PreventionGenetics, part of Exact Sciences
Classification: Likely benign for CDH1-related condition. Last evaluated: 2025-03-12. Review status: criteria provided, single submitter. Criteria: ACMG Guidelines, 2015. Collection method: clinical testing. Allele origin: germline. Not counted in ClinVar's aggregate classification.
Comment: This variant is classified as likely benign based on ACMG/AMP sequence variant interpretation guidelines (Richards et al. 2015 PMID: 25741868, with internal and published modifications).

Center for Genomic Medicine, Rigshospitalet, Copenhagen University Hospital
Classification: Uncertain significance. Last evaluated: 2025-03-04. Review status: criteria provided, single submitter. Criteria: ACMG Guidelines, 2015. Collection method: clinical testing. Allele origin: germline. Not counted in ClinVar's aggregate classification.

GeneDx
Classification: Uncertain significance. Last evaluated: 2024-12-08. Review status: criteria provided, single submitter. Criteria: GeneDx Variant Classification Process June 2021. Collection method: clinical testing. Allele origin: germline. Affected: yes. Not counted in ClinVar's aggregate classification.
Comment: In silico analysis supports that this missense variant has a deleterious effect on protein structure/function; This variant is associated with the following publications: (PMID: 12414534, 12532420, 15235021, 22850631, 34541275, 35534704, 33471991, 36436516, 29212164, 32959997, 30287823)

Color Diagnostics, LLC DBA Color Health
Classification: Likely benign for Hereditary cancer-predisposing syndrome. Last evaluated: 2024-08-26. Review status: criteria provided, single submitter. Criteria: ACMG Guidelines, 2015. Collection method: clinical testing. Allele origin: germline. Not counted in ClinVar's aggregate classification.

Fulgent Genetics
Classification: Uncertain significance for Familial cancer of breast; Blepharocheilodontic syndrome 1; Hereditary diffuse gastric adenocarcinoma; Ovarian cancer; Endometrial carcinoma. Last evaluated: 2024-02-02. Review status: criteria provided, single submitter. Criteria: ACMG Guidelines, 2015. Collection method: clinical testing. Allele origin: germline. Not counted in ClinVar's aggregate classification.

Women's Health and Genetics/Laboratory Corporation of America, LabCorp
Classification: Uncertain significance. Last evaluated: 2023-09-29. Review status: criteria provided, single submitter. Criteria: LabCorp Variant Classification Summary - May 2015. Collection method: clinical testing. Allele origin: germline. Not counted in ClinVar's aggregate classification.
Comment: Variant summary: CDH1 c.1004G>A (p.Arg335Gln) results in a conservative amino acid change located in the Cadherin-like domain (IPR002126) of the encoded protein sequence. Four of five in-silico tools predict a damaging effect of the variant on protein function. The variant allele was found at a frequency of 2.5e-05 in 395984 control chromosomes (gnomAD). The observed variant frequency is approximately 1.2 fold of the estimated maximal expected allele frequency for a pathogenic variant in CDH1 causing Hereditary Breast And Ovarian Cancer Syndrome phenotype (2.1e-05), suggesting that the variant may be benign. c.1004G>A has been reported in the literature in individuals affected with breast cancer (e.g., Momozawa_2018, Uyisenga_2020) and at least one individual with ovarian cancer (e.g., Villy_2021) and one with colorectal cancer (e.g., Raskin_2017). These reports do not provide unequivocal conclusions about association of the variant with breast cancer. Co-occurrences with pathogenic variants have been observed in our lab (RAD51C c.706-2A>G and PMS2 c.2186_2187delTC, p.Leu729GlnfsX6), providing supporting evidence for a benign role. To our knowledge, no experimental evidence demonstrating an impact on protein function has been reported. The following publications have been ascertained in the context of this evaluation (PMID: 12532420, 12414534, 29212164, 30287823, 32959997, 34541275). Nine submitters have reported clinical-significance assessments for this variant to ClinVar after 2014 with conflicting assessments (VUS, n = 8, likely benign, n = 1). Based on the evidence outlined above, the variant was classified as VUS-possibly benign.

Myriad Genetics, Inc.
Classification: Uncertain significance for Hereditary diffuse gastric adenocarcinoma. Last evaluated: 2023-03-07. Review status: criteria provided, single submitter. Criteria: Myriad Autosomal Dominant, Autosomal Recessive and X-Linked Classification Criteria (2023). Collection method: clinical testing. Allele origin: unknown. Not counted in ClinVar's aggregate classification.
Comment: This variant is classified as a variant of uncertain significance as there is insufficient evidence to determine its impact on protein function and/or cancer risk.

Quest Diagnostics Nichols Institute San Juan Capistrano
Classification: Uncertain significance. Last evaluated: 2022-09-17. Review status: criteria provided, single submitter. Criteria: Quest Diagnostics criteria. Collection method: clinical testing. Allele origin: unknown. Not counted in ClinVar's aggregate classification.
Comment: The frequency of this variant in the general population, 0.000085 (3/35426 chromosomes in Latino/Admixed American subpopulation), is higher than would generally be expected for pathogenic variants in this gene. In the published literature, the variant was identified in a diffuse gastric cancer tissue (PMID: 12414534 (2002)) as well as in individuals affected with colorectal cancer (PMID: 29212164 (2017)) and breast cancer (PMID: 30287823 (2018), 32959997 (2020), 33471991 (2021)). Analysis of this variant using bioinformatics tools for the prediction of the effect of amino acid changes on protein structure and function yielded predictions that this variant is damaging. Based on the available information, we are unable to determine the clinical significance of this variant.

European Reference Network on Genetic Tumour Risk Syndromes (ERN-GENTURIS), i3s - Instituto de Investigação e Inovação em Saúde, University of Porto
Classification: Uncertain significance for Hereditary diffuse gastric adenocarcinoma. Last evaluated: 2022-08-01. Review status: criteria provided, single submitter. Criteria: Lee et al. (Hum Mutat. 2018). Collection method: clinical testing. Allele origin: germline. Inheritance: Autosomal dominant inheritance. Affected: no. Study: ERN GENTURIS. Not counted in ClinVar's aggregate classification.
Comment: BS2_Supporting (PMID: 30311375)

Department of Pathology and Laboratory Medicine, Sinai Health System
Classification: Uncertain significance for CDH1-related diffuse gastric and lobular breast cancer syndrome. Last evaluated: 2022-06-24. Review status: criteria provided, single submitter. Criteria: ACMG Guidelines, 2015. Collection method: clinical testing. Allele origin: germline. Affected: no. Not counted in ClinVar's aggregate classification.

Ambry Genetics
Classification: Likely benign for Hereditary cancer-predisposing syndrome. Last evaluated: 2020-09-11. Review status: criteria provided, single submitter. Criteria: Ambry Variant Classification Scheme 2023. Collection method: clinical testing. Allele origin: germline. Not counted in ClinVar's aggregate classification.

Mendelics
Classification: Uncertain significance for Hereditary diffuse gastric cancer. Last evaluated: 2018-07-02. Review status: criteria provided, single submitter. Criteria: Mendelics Assertion Criteria 2017. Collection method: clinical testing. Allele origin: unknown. Not counted in ClinVar's aggregate classification.

Counsyl
Classification: Uncertain significance for Hereditary diffuse gastric adenocarcinoma. Last evaluated: 2016-02-12. Review status: no assertion criteria provided. Collection method: clinical testing. Allele origin: unknown. Not counted in ClinVar's aggregate classification.

Literature cited by the submitters: PubMed 12532420 (cited by 3 submitters); PubMed 12414534 (cited by 4 submitters); PubMed 29212164 (cited by Women's Health and Genetics/Laboratory Corporation of America, LabCorp and Quest Diagnostics Nichols Institute San Juan Capistrano); PubMed 30287823 (cited by 4 submitters); PubMed 32959997 (cited by 3 submitters); PubMed 34541275 (cited by Women's Health and Genetics/Laboratory Corporation of America, LabCorp); PubMed 33471991 (cited by Quest Diagnostics Nichols Institute San Juan Capistrano); PubMed 36436516 (cited by European Reference Network on Genetic Tumour Risk Syndromes (ERN-GENTURIS), i3s - Instituto de Investigação e Inovação em Saúde, University of Porto).